The following is an entry in ClinVar:

NM_018975.4(TERF2IP):c.341A>C (p.Lys114Thr)

Gene: TERF2IP (TERF2 interacting protein; plus strand). Cytogenetic location: 16q23.1.
Variant type: single nucleotide variant.
Coding change: c.341A>C on transcript NM_018975.4 (MANE Select); coding-DNA position 341, A replaced by C.
Protein change: p.Lys114Thr; replaces lysine 114 with threonine.
Molecular consequence: missense variant. On other transcripts: non-coding transcript variant (1).
Genome position (GRCh38, 1-based): chr16:75,648,223, A>C. VCF-style: chr16-75648223-A-C. GRCh37 (hg19) VCF-style: chr16-75682121-A-C.
Other names: short protein forms K114T.
Identifiers: ClinVar variation 1731238 (VCV001731238.2), dbSNP rs2507073673, ClinGen allele CA396817704.

ClinVar aggregate classification (germline): Uncertain significance (1 of 4 stars; one submission).

Submission:

Ambry Genetics
Classification: Uncertain significance. Last evaluated: 2021-12-11. Review status: criteria provided, single submitter. Criteria: Ambry Variant Classification Scheme 2023. Collection method: clinical testing. Allele origin: germline.
Comment: The p.K114T variant (also known as c.341A>C), located in coding exon 1 of the TERF2IP gene, results from an A to C substitution at nucleotide position 341. The lysine at codon 114 is replaced by threonine, an amino acid with similar properties. This amino acid position is conserved. In addition, this alteration is predicted to be tolerated by in silico analysis. Since supporting evidence is limited at this time, the clinical significance of this alteration remains unclear.